The following is an entry in ClinVar:

ClinVar aggregate classification (germline): Uncertain significance (0 of 4 stars; one submission).

Conditions:
FHOD3-related disorder. Also called: FHOD3-related condition.

gnomAD v4.1: 12 of 1,610,820 alleles (0.00074%); highest among the groups gnomAD compares: Non-Finnish European, 0.001%; no homozygotes.

Submission:

PreventionGenetics, part of Exact Sciences
Classification: Uncertain significance for FHOD3-related condition. Last evaluated: 2024-03-25. Review status: no assertion criteria provided. Collection method: clinical testing. Allele origin: germline.
Comment: The FHOD3 c.4600C>T variant is predicted to result in the amino acid substitution p.Arg1534Cys. To our knowledge, this variant has not been reported in the literature. This variant is reported in 0.0019% of alleles in individuals of European (Non-Finnish) descent in gnomAD. At this time, the clinical significance of this variant is uncertain due to the absence of conclusive functional and genetic evidence.

NM_001281740.3(FHOD3):c.4600C>T (p.Arg1534Cys)

Gene: FHOD3 (formin homology 2 domain containing 3; plus strand). Cytogenetic location: 18q12.2.
Variant type: single nucleotide variant.
Coding change: c.4600C>T on transcript NM_001281740.3 (MANE Select); coding-DNA position 4600, C replaced by T.
Protein change: p.Arg1534Cys; replaces arginine 1534 with cysteine.
Molecular consequence: missense variant.
Genome position (GRCh38, 1-based): chr18:36,760,758, C>T. VCF-style: chr18-36760758-C-T. GRCh37 (hg19) VCF-style: chr18-34340721-C-T.
Other names: c.4000C>T, p.Arg1334Cys (NM_001281739.3); c.4051C>T, p.Arg1351Cys (NM_025135.5); short protein forms R1334C, R1351C, R1534C.
Identifiers: ClinVar variation 3349532 (VCV003349532.1).